The following is an entry in ClinVar:

NM_015488.5(PNKD):c.61C>T (p.Leu21Phe)

Genes: PNKD (PNKD metallo-beta-lactamase domain containing; plus strand), LOC129935594 (ATAC-STARR-seq lymphoblastoid active region 17117; plus strand). Cytogenetic location: 2q35.
Variant type: single nucleotide variant.
Coding change: c.61C>T on transcript NM_015488.5 (MANE Select); coding-DNA position 61, C replaced by T.
Protein change: p.Leu21Phe; replaces leucine 21 with phenylalanine.
Molecular consequence: missense variant.
Genome position (GRCh38, 1-based): chr2:218,270,596, C>T. VCF-style: chr2-218270596-C-T. GRCh37 (hg19) VCF-style: chr2-219135319-C-T.
Other names: c.61C>T, p.Leu21Phe (NM_001077399.3); short protein forms L21F.
Identifiers: ClinVar variation 966725 (VCV000966725.10), dbSNP rs758101708, ClinGen allele CA2103231.

ClinVar aggregate classification (germline): Uncertain significance (1 of 4 stars; one submission).

Conditions:
Paroxysmal nonkinesigenic dyskinesia. Also called: Paroxysmal non-kinesigenic dyskinesia. Identifiers: Orphanet 98810, MedGen C1869117, MONDO:0700088.

Allele frequency attached by ClinVar (database versions not stated): gnomAD 0.00001; gnomAD exomes 0.00003; ExAC below 0.00001.

Submission:

Labcorp Genetics (formerly Invitae), Labcorp
Classification: Uncertain significance for Paroxysmal nonkinesigenic dyskinesia. Last evaluated: 2024-10-22. Review status: criteria provided, single submitter. Criteria: Invitae Variant Classification Sherloc (09022015). Collection method: clinical testing. Allele origin: germline.
Comment: This sequence change replaces leucine, which is neutral and non-polar, with phenylalanine, which is neutral and non-polar, at codon 21 of the PNKD protein (p.Leu21Phe). This variant is present in population databases (rs758101708, gnomAD 0.009%). This variant has not been reported in the literature in individuals affected with PNKD-related conditions. This missense change has been observed in at least one individual who was not affected with PNKD-related conditions (internal data). ClinVar contains an entry for this variant (Variation ID: 966725). An algorithm developed to predict the effect of missense changes on protein structure and function (PolyPhen-2) suggests that this variant is likely to be disruptive. In summary, the available evidence is currently insufficient to determine the role of this variant in disease. Therefore, it has been classified as a Variant of Uncertain Significance.